The following is an entry in ClinVar:

ClinVar aggregate classification (germline): Conflicting classifications of pathogenicity. Review status: criteria provided, conflicting classifications (1 of 4 stars). 2 submissions from 2 submitters: Uncertain significance (1); Benign (1). Last evaluated 2025-11-09.

Conditions:
Congenital contractural arachnodactyly (CCA). Also called: Beals-Hecht syndrome; BEALS SYNDROME; Arthrogryposis, distal, type 9. Identifiers: Orphanet 115, MedGen C0220668, MONDO:0007363, OMIM 121050.

Allele frequency attached by ClinVar (database versions not stated): gnomAD exomes 0.00001 and 0.00003; ExAC 0.00002.
gnomAD v4.1: 8 of 1,613,840 alleles (0.0005%); highest among the groups gnomAD compares: Admixed American, 0.012%; no homozygotes.

Submissions (2):

Labcorp Genetics (formerly Invitae), Labcorp
Classification: Benign for Congenital contractural arachnodactyly. Last evaluated: 2025-11-09. Review status: criteria provided, single submitter. Criteria: Invitae Variant Classification Sherloc (09022015). Collection method: clinical testing. Allele origin: germline.

GeneDx
Classification: Uncertain significance. Last evaluated: 2021-06-11. Review status: criteria provided, single submitter. Criteria: GeneDx Variant Classification Process June 2021. Collection method: clinical testing. Allele origin: germline. Affected: yes.
Comment: Has not been previously published as pathogenic or benign to our knowledge; In silico analysis supports that this missense variant has a deleterious effect on protein structure/function; Although located in a calcium-binding EGF-like domain of the FBN2 gene, it does not affect a cysteine residue within this domain; cysteine substitutions in the calcium-binding EGF-like domains represent the majority of pathogenic missense changes associated with FBN2-related disorders (Frederic et al., 2009).; This variant is associated with the following publications: (PMID: 27535533, 18767143)

NM_001999.4(FBN2):c.7525A>G (p.Thr2509Ala)

Gene: FBN2 (fibrillin 2; minus strand). Cytogenetic location: 5q23.3.
Variant type: single nucleotide variant.
Coding change: c.7525A>G on transcript NM_001999.4 (MANE Select); coding-DNA position 7525, A replaced by G.
Protein change: p.Thr2509Ala; replaces threonine 2509 with alanine.
Molecular consequence: missense variant.
Genome position (GRCh38, 1-based): chr5:128,276,107, T>C on the plus strand (A>G on the coding strand, the complement: FBN2 is on the minus strand). VCF-style: chr5-128276107-T-C. GRCh37 (hg19) VCF-style: chr5-127611799-T-C.
Other names: short protein forms T2509A.
Identifiers: ClinVar variation 1327633 (VCV001327633.7), dbSNP rs752627315, ClinGen allele CA3394095.
Genomic context (GRCh38, chr5:128,276,107, plus strand): 5'-TCTTTCCATCCTCTTGCAGGACATACCCCCTCGGACATGAACACTGATAACTCCCCTCAG[T>C]GTTCTTGCAGATGTAGTTGCATGGTTTCGGGGACTGGGAGCATTCATCAAGGTCTAAGTA-3'
Protein context (NP_001990.2, residues 2499-2519): PKPCNYICKN[Thr2509Ala]EGSYQCSCPR